The following is an entry in ClinVar:

NM_001278064.2(GRM1):c.212G>C (p.Arg71Thr)

Gene: GRM1 (glutamate metabotropic receptor 1; plus strand). Cytogenetic location: 6q24.3.
Variant type: single nucleotide variant.
Coding change: c.212G>C on transcript NM_001278064.2 (MANE Select); coding-DNA position 212, G replaced by C.
Protein change: p.Arg71Thr; replaces arginine 71 with threonine.
Molecular consequence: missense variant.
Genome position (GRCh38, 1-based): chr6:146,029,729, G>C. VCF-style: chr6-146029729-G-C. GRCh37 (hg19) VCF-style: chr6-146350865-G-C.
Other names: c.212G>C, p.Arg71Thr (NM_001278065.2, NM_001278066.1, NM_001278067.1); short protein forms R71T.
Identifiers: ClinVar variation 1313859 (VCV001313859.4), dbSNP rs2128834249, ClinGen allele CA365957561.

ClinVar aggregate classification (germline): Uncertain significance (1 of 4 stars; one submission).

Submission:

GeneDx
Classification: Uncertain significance. Last evaluated: 2025-02-07. Review status: criteria provided, single submitter. Criteria: GeneDx Variant Classification Process June 2021. Collection method: clinical testing. Allele origin: germline. Affected: yes.
Comment: Not observed at significant frequency in large population cohorts (gnomAD); In silico analysis supports that this missense variant has a deleterious effect on protein structure/function; Has not been previously published as pathogenic or benign to our knowledge